The following is an entry in ClinVar:

ClinVar aggregate classification (germline): Uncertain significance (1 of 4 stars; one submission).

Conditions:
Inborn genetic diseases. Identifiers: MedGen C0950123, MeSH D030342.

Submission:

Ambry Genetics
Classification: Uncertain significance for Inborn genetic diseases. Last evaluated: 2025-07-12. Review status: criteria provided, single submitter. Criteria: Ambry Variant Classification Scheme 2023. Collection method: clinical testing. Allele origin: germline.
Comment: The p.N296S variant (also known as c.887A>G), located in coding exon 1 of the SAMD9 gene, results from an A to G substitution at nucleotide position 887. The asparagine at codon 296 is replaced by serine, an amino acid with highly similar properties. This amino acid position is conserved. In addition, this alteration is predicted to be tolerated by in silico analysis. Based on the available evidence, the clinical significance of this variant remains unclear.

NM_017654.4(SAMD9):c.887A>G (p.Asn296Ser)

Gene: SAMD9 (sterile alpha motif domain containing 9; minus strand). Cytogenetic location: 7q21.2.
Variant type: single nucleotide variant.
Coding change: c.887A>G on transcript NM_017654.4 (MANE Select); coding-DNA position 887, A replaced by G.
Protein change: p.Asn296Ser; replaces asparagine 296 with serine.
Molecular consequence: missense variant.
Genome position (GRCh38, 1-based): chr7:93,105,211, T>C on the plus strand (A>G on the coding strand, the complement: SAMD9 is on the minus strand). VCF-style: chr7-93105211-T-C. GRCh37 (hg19) VCF-style: chr7-92734524-T-C.
Other names: c.887A>G, p.Asn296Ser (NM_001193307.2); short protein forms N296S.
Identifiers: ClinVar variation 4159079 (VCV004159079.1).